The following is an entry in ClinVar:

NM_000051.4(ATM):c.4459T>A (p.Ser1487Thr)

Gene: ATM (ATM serine/threonine kinase; plus strand). Cytogenetic location: 11q22.3.
Variant type: single nucleotide variant.
Coding change: c.4459T>A on transcript NM_000051.4 (MANE Select); coding-DNA position 4459, T replaced by A.
Protein change: p.Ser1487Thr; replaces serine 1487 with threonine.
Molecular consequence: missense variant.
Genome position (GRCh38, 1-based): chr11:108,292,641, T>A. VCF-style: chr11-108292641-T-A. GRCh37 (hg19) VCF-style: chr11-108163368-T-A.
Other names: c.4459T>A, p.Ser1487Thr (NM_001351834.2); short protein forms S1487T.
Identifiers: ClinVar variation 4747216 (VCV004747216.1).

ClinVar aggregate classification (germline): Uncertain significance (1 of 4 stars; one submission).

Conditions:
Ataxia-telangiectasia syndrome (AT). Also called: Ataxia-telangiectasia, complementation group D; AT, COMPLEMENTATION GROUP C; Ataxia-telangiectasia; Ataxia telangiectasia (A-T); LOUIS-BAR SYNDROME; Cerebello-oculocutaneous telangiectasia. Identifiers: Orphanet 100, MedGen C0004135, MONDO:0008840, OMIM 208900.

Submission:

Labcorp Genetics (formerly Invitae), Labcorp
Classification: Uncertain significance for Ataxia-telangiectasia syndrome. Last evaluated: 2025-08-13. Review status: criteria provided, single submitter. Criteria: Invitae Variant Classification Sherloc (09022015). Collection method: clinical testing. Allele origin: germline.
Comment: This sequence change replaces serine, which is neutral and polar, with threonine, which is neutral and polar, at codon 1487 of the ATM protein (p.Ser1487Thr). This variant is not present in population databases (gnomAD no frequency). This variant has not been reported in the literature in individuals affected with ATM-related conditions. Invitae Evidence Modeling of protein sequence and biophysical properties (such as structural, functional, and spatial information, amino acid conservation, physicochemical variation, residue mobility, and thermodynamic stability) indicates that this missense variant is not expected to disrupt ATM protein function with a negative predictive value of 95%. In summary, the available evidence is currently insufficient to determine the role of this variant in disease. Therefore, it has been classified as a Variant of Uncertain Significance.